The following is an entry in ClinVar:

NM_020812.4(DOCK6):c.4415G>A (p.Ser1472Asn)

Genes: DOCK6 (dedicator of cytokinesis 6; minus strand), DOCK6-AS1 (DOCK6 antisense RNA 1; plus strand). Cytogenetic location: 19p13.2.
Variant type: single nucleotide variant.
Coding change: c.4415G>A on transcript NM_020812.4 (MANE Select); coding-DNA position 4415, G replaced by A.
Protein change: p.Ser1472Asn; replaces serine 1472 with asparagine.
Molecular consequence: missense variant.
Genome position (GRCh38, 1-based): chr19:11,213,252, C>T on the plus strand (G>A on the coding strand, the complement: DOCK6 is on the minus strand). VCF-style: chr19-11213252-C-T. GRCh37 (hg19) VCF-style: chr19-11323928-C-T.
Other names: c.4520G>A, p.Ser1507Asn (NM_001367830.1); c.4415G>A (NM_020812.2); short protein forms S1507N, S1472N.
Identifiers: ClinVar variation 1479247 (VCV001479247.4), dbSNP rs202226462, ClinGen allele CA9206869.
Genomic context (GRCh38, chr19:11,213,252, plus strand): 5'-TTCTGTCGCATGAGCAGGTACAGCGAGGCGCTGGCGTGCGTGCGGATGGTGCTGATGCGG[C>T]TGCCACAGTGTCGTAGGAGCCTCAGGCACAGGTCGGCACACAGCTCCGTGTCCTCCTCGA-3'
Protein context (NP_065863.2, residues 1462-1482): LCLRLLRHCG[Ser1472Asn]RISTIRTHAS

ClinVar aggregate classification (germline): Uncertain significance. Review status: criteria provided, multiple submitters, no conflicts (2 of 4 stars). 2 submissions from 2 submitters: Uncertain significance (2). Last evaluated 2025-01-19.

Conditions:
Inborn genetic diseases. Identifiers: MedGen C0950123, MeSH D030342.

Allele frequency attached by ClinVar (database versions not stated): gnomAD 0.00001 and 0.00002; gnomAD exomes 0.00005 and 0.00010; TOPMed 0.00005; ExAC 0.00008; 1000 Genomes Project 0.00020; 1000 Genomes Project 30x 0.00031.
gnomAD v4.1: 31 of 1,613,114 alleles (0.0019%); highest among the groups gnomAD compares: Admixed American, 0.052%; no homozygotes.

Submissions (2):

Ambry Genetics
Classification: Uncertain significance for Inborn genetic diseases. Last evaluated: 2025-01-19. Review status: criteria provided, single submitter. Criteria: Ambry Variant Classification Scheme 2023. Collection method: clinical testing. Allele origin: germline.

Labcorp Genetics (formerly Invitae), Labcorp
Classification: Uncertain significance. Last evaluated: 2022-08-01. Review status: criteria provided, single submitter. Criteria: Invitae Variant Classification Sherloc (09022015). Collection method: clinical testing. Allele origin: germline.
Comment: This sequence change replaces serine, which is neutral and polar, with asparagine, which is neutral and polar, at codon 1472 of the DOCK6 protein (p.Ser1472Asn). This variant is present in population databases (rs202226462, gnomAD 0.07%). This variant has not been reported in the literature in individuals affected with DOCK6-related conditions. ClinVar contains an entry for this variant (Variation ID: 1479247). Algorithms developed to predict the effect of missense changes on protein structure and function are either unavailable or do not agree on the potential impact of this missense change (SIFT: "Deleterious"; PolyPhen-2: "Possibly Damaging"; Align-GVGD: "Class C0"). In summary, the available evidence is currently insufficient to determine the role of this variant in disease. Therefore, it has been classified as a Variant of Uncertain Significance.